The following is an entry in ClinVar:

NM_024675.4(PALB2):c.1826T>G (p.Ile609Ser)

Gene: PALB2 (partner and localizer of BRCA2; minus strand). Cytogenetic location: 16p12.2.
Variant type: single nucleotide variant.
Coding change: c.1826T>G on transcript NM_024675.4 (MANE Select); coding-DNA position 1826, T replaced by G.
Protein change: p.Ile609Ser; replaces isoleucine 609 with serine.
Molecular consequence: missense variant. On other transcripts: intron variant (1).
Genome position (GRCh38, 1-based): chr16:23,630,328, A>C on the plus strand (T>G on the coding strand, the complement: PALB2 is on the minus strand). VCF-style: chr16-23630328-A-C. GRCh37 (hg19) VCF-style: chr16-23641649-A-C.
Other names: c.1766T>G, p.Ile589Ser (NM_001407296.1); c.1826T>G, p.Ile609Ser (NM_001407297.1, NM_001407298.1, NM_001407299.1 and 3 more transcripts); c.941T>G, p.Ile314Ser (NM_001407304.1, NM_001407305.1, NM_001407306.1 and 5 more transcripts); c.38T>G, p.Ile13Ser (NM_001407312.1, NM_001407313.1); c.49-1053T>G (NM_001407314.1); short protein forms I609S, I589S, I13S, I314S.
Identifiers: ClinVar variation 3413477 (VCV003413477.1).

ClinVar aggregate classification (germline): Uncertain significance (1 of 4 stars; one submission).

Conditions:
Hereditary cancer-predisposing syndrome. Also called: Neoplastic Syndromes, Hereditary; Tumor predisposition; Hereditary Cancer Syndrome; Hereditary neoplastic syndrome. Identifiers: Orphanet 140162, MedGen C0027672, MeSH D009386, MONDO:0015356.

Submission:

Ambry Genetics
Classification: Uncertain significance for Hereditary cancer-predisposing syndrome. Last evaluated: 2024-10-13. Review status: criteria provided, single submitter. Criteria: Ambry Variant Classification Scheme 2023. Collection method: clinical testing. Allele origin: germline.
Comment: The p.I609S variant (also known as c.1826T>G), located in coding exon 5 of the PALB2 gene, results from a T to G substitution at nucleotide position 1826. The isoleucine at codon 609 is replaced by serine, an amino acid with dissimilar properties. This amino acid position is conserved. In addition, this alteration is predicted to be tolerated by in silico analysis. Based on the available evidence, the clinical significance of this variant remains unclear.